The following is an entry in ClinVar:

ClinVar aggregate classification (germline): Pathogenic (1 of 4 stars; one submission).

Conditions:
Cardiovascular phenotype. Identifiers: MedGen CN230736.

Submission:

Ambry Genetics
Classification: Pathogenic for Cardiovascular phenotype. Last evaluated: 2025-11-21. Review status: criteria provided, single submitter. Criteria: Ambry Variant Classification Scheme 2023. Collection method: clinical testing. Allele origin: germline.
Comment: The c.9220C>T (p.Q3074*) alteration, located in exon 38 (coding exon 38) of the ANK2 gene, consists of a C to T substitution at nucleotide position 9220. This changes the amino acid from a glutamine (Q) to a stop codon at amino acid position 3074. This alteration is expected to result in loss of function by premature protein truncation or nonsense-mediated mRNA decay. This variant was not reported in population-based cohorts in the Genome Aggregation Database (gnomAD). Based on the available evidence, this alteration is classified as pathogenic.

NM_001148.6(ANK2):c.9220C>T (p.Gln3074Ter)

Gene: ANK2 (ankyrin 2; plus strand). Cytogenetic location: 4q26.
Variant type: single nucleotide variant.
Coding change: c.9220C>T on transcript NM_001148.6 (MANE Select); coding-DNA position 9220, C replaced by T.
Protein change: p.Gln3074Ter; replaces glutamine 3074 with a stop codon.
Molecular consequence: nonsense. On other transcripts: intron variant (68).
Genome position (GRCh38, 1-based): chr4:113,357,838, C>T. VCF-style: chr4-113357838-C-T. GRCh37 (hg19) VCF-style: chr4-114278994-C-T.
Other names: c.8986C>T, p.Gln2996Ter (NM_001386142.1); c.5620C>T, p.Gln1874Ter (NM_001386166.1); c.9361C>T, p.Gln3121Ter (NM_001386174.1); c.9337C>T, p.Gln3113Ter (NM_001386175.1); c.4412-2985C>T (NM_001386186.2, NM_001386148.2); c.4214-2985C>T (NM_001354269.3); c.4292-2985C>T (NM_001386187.2); c.4253-2985C>T (NM_001386147.1); and 35 more; short protein forms Q3074*, Q3113*, Q1874*, Q2996*, Q3121*.
Identifiers: ClinVar variation 4613600 (VCV004613600.1).